The following is an entry in ClinVar:

ClinVar aggregate classification (germline): Uncertain significance (1 of 4 stars; one submission).

Conditions:
Nemaline myopathy 2 (NEM2). Also called: Nemaline myopathy 2, autosomal recessive. Identifiers: MedGen C1850569, MONDO:0009725, OMIM 256030.

Allele frequency attached by ClinVar (database versions not stated): ExAC 0.00001; gnomAD 0.00001; gnomAD exomes 0.00001; TOPMed 0.00001.
gnomAD v4.1: 8 of 1,613,898 alleles (0.0005%); highest among the groups gnomAD compares: Non-Finnish European, 0.00068%; no homozygotes.

Submission:

Labcorp Genetics (formerly Invitae), Labcorp
Classification: Uncertain significance for Nemaline myopathy 2. Last evaluated: 2022-04-18. Review status: criteria provided, single submitter. Criteria: Invitae Variant Classification Sherloc (09022015). Collection method: clinical testing. Allele origin: germline.
Comment: This sequence change replaces lysine, which is basic and polar, with threonine, which is neutral and polar, at codon 625 of the NEB protein (p.Lys625Thr). This variant is present in population databases (rs771953488, gnomAD 0.002%). This variant has not been reported in the literature in individuals affected with NEB-related conditions. Algorithms developed to predict the effect of missense changes on protein structure and function are either unavailable or do not agree on the potential impact of this missense change (SIFT: "Deleterious"; PolyPhen-2: "Not Available"; Align-GVGD: "Class C0"). In summary, the available evidence is currently insufficient to determine the role of this variant in disease. Therefore, it has been classified as a Variant of Uncertain Significance.

NM_001164508.2(NEB):c.1874A>C (p.Lys625Thr)

Gene: NEB (nebulin; minus strand). Cytogenetic location: 2q23.3.
Variant type: single nucleotide variant.
Coding change: c.1874A>C on transcript NM_001164508.2 (MANE Select); coding-DNA position 1874, A replaced by C.
Protein change: p.Lys625Thr; replaces lysine 625 with threonine.
Molecular consequence: missense variant.
Genome position (GRCh38, 1-based): chr2:151,694,345, T>G on the plus strand (A>C on the coding strand, the complement: NEB is on the minus strand). VCF-style: chr2-151694345-T-G. GRCh37 (hg19) VCF-style: chr2-152550859-T-G.
Other names: c.1874A>C, p.Lys625Thr (NM_001164507.2, NM_001271208.2, NM_004543.5); short protein forms K625T.
Identifiers: ClinVar variation 1990775 (VCV001990775.1), dbSNP rs771953488, ClinGen allele CA1911418.
Genomic context (GRCh38, chr2:151,694,345, plus strand): 5'-CACGTCTGAAAATAGGGGTGAATTACAAAGAAACTCACATCACTCTGGTTTTTGGCCACC[T>G]TCAAGGAGTGCAGCATCTTGGGATCGTCATTAATGCTGAGGACTCCAATCATTTTCCCTT-3'
Protein context (NP_001157980.2, residues 615-635): NDDPKMLHSL[Lys625Thr]VAKNQSDRLY